The following is an entry in ClinVar:

ClinVar aggregate classification (germline): Uncertain significance (1 of 4 stars; one submission).

Submission:

GeneDx
Classification: Uncertain significance. Last evaluated: 2022-08-03. Review status: criteria provided, single submitter. Criteria: GeneDx Variant Classification Process June 2021. Collection method: clinical testing. Allele origin: germline. Affected: yes.
Comment: Not observed at significant frequency in large population cohorts (gnomAD); In silico analysis supports that this missense variant does not alter protein structure/function; Has not been previously published as pathogenic or benign to our knowledge

NM_000701.8(ATP1A1):c.2236G>T (p.Ala746Ser)

Genes: ATP1A1 (ATPase Na+/K+ transporting subunit alpha 1; plus strand), ATP1A1-AS1 (ATP1A1 antisense RNA 1; minus strand). Cytogenetic location: 1p13.1.
Variant type: single nucleotide variant.
Coding change: c.2236G>T on transcript NM_000701.8 (MANE Select); coding-DNA position 2236, G replaced by T.
Protein change: p.Ala746Ser; replaces alanine 746 with serine.
Molecular consequence: missense variant.
Genome position (GRCh38, 1-based): chr1:116,398,732, G>T. VCF-style: chr1-116398732-G-T. GRCh37 (hg19) VCF-style: chr1-116941354-G-T.
Other names: c.2236G>T, p.Ala746Ser (NM_001160233.2); c.2143G>T, p.Ala715Ser (NM_001160234.2); short protein forms A715S, A746S.
Identifiers: ClinVar variation 2428848 (VCV002428848.3), dbSNP rs2525881063, ClinGen allele CA341773217.
Genomic context (GRCh38, chr1:116,398,732, plus strand): 5'-AAGAAAGCAGACATTGGGGTTGCTATGGGGATTGCTGGCTCAGATGTGTCCAAGCAAGCT[G>T]CTGACATGATTCTTCTGGATGACAACTTTGCCTCAATTGTGACTGGAGTAGAGGAAGGTG-3'
Protein context (NP_000692.2, residues 736-756): IAGSDVSKQA[Ala746Ser]DMILLDDNFA